The following is an entry in ClinVar:

ClinVar aggregate classification (germline): Uncertain significance. Review status: criteria provided, multiple submitters, no conflicts (2 of 4 stars). 2 submissions from 2 submitters: Uncertain significance (2). Last evaluated 2024-01-24.

Conditions:
Leukodystrophy. Identifiers: Orphanet 68356, MedGen C0023520, MONDO:0019046, HP:0002415.

Allele frequency attached by ClinVar (database versions not stated): gnomAD exomes below 0.00001 and 0.00001; ExAC 0.00002.
gnomAD v4.1: 2 of 1,613,998 alleles (0.00012%); highest among the groups gnomAD compares: Admixed American, 0.0017%; no homozygotes.

Submissions (2):

Broad Center for Mendelian Genomics, Broad Institute of MIT and Harvard
Classification: Uncertain significance for Leukodystrophy. Last evaluated: 2024-01-24. Review status: criteria provided, single submitter. Criteria: ACMG Guidelines, 2015. Collection method: curation. Allele origin: germline. Inheritance: Autosomal recessive inheritance.
Comment: The p.Arg855Trp variant in POLR3A has been reported in 1 individual, in the compound heterozygous state, with POLR3A-related disorders (PMID: 34234304) and has been identified in 0.002% (1/34582) of Latino chromosomes by the Genome Aggregation Database (gnomAD; dbSNP ID: rs775160820). Although this variant has been seen in the general population in a heterozygous state, its frequency is low enough to be consistent with a recessive carrier frequency. This variant has also been reported in ClinVar (Variation ID: 1442721) and has been interpreted as a variant of uncertain significance by Invitae. Computational prediction tools and conservation analyses suggest that this variant may impact the protein, though this information is not predictive enough to determine pathogenicity. In summary, while there is some suspicion for a pathogenic role, the clinical significance of this variant is uncertain. ACMG/AMP Criteria applied: PM3_supporting, PP3, PM2_supporting (Richards 2015).

Labcorp Genetics (formerly Invitae), Labcorp
Classification: Uncertain significance. Last evaluated: 2021-08-08. Review status: criteria provided, single submitter. Criteria: Invitae Variant Classification Sherloc (09022015). Collection method: clinical testing. Allele origin: germline.
Comment: This variant has not been reported in the literature in individuals affected with POLR3A-related conditions. This sequence change replaces arginine with tryptophan at codon 855 of the POLR3A protein (p.Arg855Trp). The arginine residue is highly conserved and there is a moderate physicochemical difference between arginine and tryptophan. This variant is present in population databases (rs775160820, ExAC 0.009%). Algorithms developed to predict the effect of missense changes on protein structure and function are either unavailable or do not agree on the potential impact of this missense change (SIFT: "Deleterious"; PolyPhen-2: "Probably Damaging"; Align-GVGD: "Class C0"). In summary, the available evidence is currently insufficient to determine the role of this variant in disease. Therefore, it has been classified as a Variant of Uncertain Significance.

NM_007055.4(POLR3A):c.2563C>T (p.Arg855Trp)

Gene: POLR3A (RNA polymerase III subunit A; minus strand). Cytogenetic location: 10q22.3.
Variant type: single nucleotide variant.
Coding change: c.2563C>T on transcript NM_007055.4 (MANE Select); coding-DNA position 2563, C replaced by T.
Protein change: p.Arg855Trp; replaces arginine 855 with tryptophan.
Molecular consequence: missense variant.
Genome position (GRCh38, 1-based): chr10:78,000,034, G>A on the plus strand (C>T on the coding strand, the complement: POLR3A is on the minus strand). VCF-style: chr10-78000034-G-A. GRCh37 (hg19) VCF-style: chr10-79759792-G-A.
Other names: NM_007055.4(POLR3A):c.2563C>T; p.Arg855Trp; short protein forms R855W.
Identifiers: ClinVar variation 1442721 (VCV001442721.7), dbSNP rs775160820, ClinGen allele CA5571091.
Genomic context (GRCh38, chr10:78,000,034, plus strand): 5'-AGGTTACCTGCATGTATCCCGTTTCAGCTGTCTTTACAGCCGTGTCGACTAGACCTTCCC[G>A]GCCGGCCATTGTGTGGAAGAAAAACTCAGTTGGTGTCAAACCGGAATAAAAGCTATTAGC-3'
Protein context (NP_008986.2, residues 845-865): TEFFFHTMAG[Arg855Trp]EGLVDTAVKT